The following is an entry in ClinVar:

NM_004006.3(DMD):c.287G>A (p.Ser96Asn)

Gene: DMD (dystrophin; minus strand). Cytogenetic location: Xp21.1.
Variant type: single nucleotide variant.
Coding change: c.287G>A on transcript NM_004006.3 (MANE Select); coding-DNA position 287, G replaced by A.
Protein change: p.Ser96Asn; replaces serine 96 with asparagine.
Molecular consequence: missense variant. On other transcripts: 5 prime UTR variant (1).
Genome position (GRCh38, 1-based): chrX:32,823,365, C>T on the plus strand (G>A on the coding strand, the complement: DMD is on the minus strand). VCF-style: chrX-32823365-C-T. GRCh37 (hg19) VCF-style: chrX-32841482-C-T.
Other names: c.263G>A, p.Ser88Asn (NM_000109.4); c.275G>A, p.Ser92Asn (NM_004009.3); c.-83G>A (NM_004010.3); short protein forms S96N, S88N, S92N.
Identifiers: ClinVar variation 597131 (VCV000597131.12), dbSNP rs1569529162, ClinGen allele CA412674563.

ClinVar aggregate classification (germline): Uncertain significance. Review status: criteria provided, multiple submitters, no conflicts (2 of 4 stars). 3 submissions from 3 submitters: Uncertain significance (3). Last evaluated 2025-12-29.

Conditions:
Duchenne muscular dystrophy (DMD). Also called: MUSCULAR DYSTROPHY, PSEUDOHYPERTROPHIC PROGRESSIVE, DUCHENNE TYPE; Duchenne Muscular Dystrophy (DMD). Identifiers: Orphanet 98896, MedGen C0013264, MONDO:0010679, OMIM 310200.
Dilated cardiomyopathy 3B (CMD3B). Also called: CMD3B: DMD-Related Dilated Cardiomyopathy; CARDIOMYOPATHY, DILATED, X-LINKED; DMD-Associated Dilated Cardiomyopathy. Identifiers: Orphanet 154, MedGen C3668940, MONDO:0010542, OMIM 302045.
Becker muscular dystrophy (BMD). Also called: MUSCULAR DYSTROPHY, PSEUDOHYPERTROPHIC PROGRESSIVE, BECKER TYPE; Becker Muscular Dystrophy (BMD). Identifiers: Orphanet 98895, MedGen C0917713, MONDO:0010311, OMIM 300376.

Allele frequency attached by ClinVar (database versions not stated): gnomAD exomes below 0.00001.
gnomAD v4.1: 1 of 1,206,920 alleles (0.000083%); highest among the groups gnomAD compares: Non-Finnish European, 0.00011%; no homozygotes.

Submissions (3):

Labcorp Genetics (formerly Invitae), Labcorp
Classification: Uncertain significance for Duchenne muscular dystrophy. Last evaluated: 2025-12-29. Review status: criteria provided, single submitter. Criteria: Invitae Variant Classification Sherloc (09022015). Collection method: clinical testing. Allele origin: germline.
Comment: This sequence change replaces serine, which is neutral and polar, with asparagine, which is neutral and polar, at codon 96 of the DMD protein (p.Ser96Asn). This variant is not present in population databases (gnomAD no frequency). This missense change has been observed in individual(s) with Duchenne muscular dystrophy (PMID: 31443951). ClinVar contains an entry for this variant (Variation ID: 597131). Invitae Evidence Modeling of protein sequence and biophysical properties (such as structural, functional, and spatial information, amino acid conservation, physicochemical variation, residue mobility, and thermodynamic stability) indicates that this missense variant is not expected to disrupt DMD protein function with a negative predictive value of 95%. In summary, the available evidence is currently insufficient to determine the role of this variant in disease. Therefore, it has been classified as a Variant of Uncertain Significance.

Eurofins Ntd Llc (ga)
Classification: Uncertain significance. Last evaluated: 2018-05-14. Review status: criteria provided, single submitter. Criteria: EGL ClinVar v180209 classification definitions. Collection method: clinical testing. Allele origin: germline. Observed: 1 variant allele, 1 heterozygote.

Center for Genomics, Ann and Robert H. Lurie Children's Hospital of Chicago
Classification: Uncertain significance for Becker muscular dystrophy; Dilated cardiomyopathy 3B; Duchenne muscular dystrophy. Review status: criteria provided, single submitter. Criteria: ACMG Guidelines, 2015. Collection method: clinical testing. Allele origin: germline.
Comment: DMD NM_004006.2 exon 5 p.Ser96Asn (c.287G>A): This variant has not been reported in the literature and is not present in large control databases. This variant is present in ClinVar (Variation ID:597131). Evolutionary conservation and computational predictive tools suggest that this variant may impact the protein. In summary, data on this variant is insufficient for disease classification. Therefore, the clinical significance of this variant is uncertain.

Literature cited by the submitters: PubMed 31443951 (cited by Labcorp Genetics (formerly Invitae), Labcorp).